The following is an entry in ClinVar:

ClinVar aggregate classification (germline): Uncertain significance (1 of 4 stars; one submission).

Conditions:
SHORT syndrome. Also called: SHORT STATURE, HYPEREXTENSIBILITY, HERNIA, OCULAR DEPRESSION, RIEGER ANOMALY, AND TEETHING DELAY; PIK3R1-Related SHORT Syndrome; LIPODYSTROPHY, PARTIAL, WITH RIEGER ANOMALY AND SHORT STATURE. Identifiers: Orphanet 3163, MedGen C0878684, MONDO:0010026, OMIM 269880.
Agammaglobulinemia 7, autosomal recessive (AGM7). Also called: AGAMMAGLOBULINEMIA, AUTOSOMAL RECESSIVE, DUE TO PIK3R1 DEFECT. Identifiers: MedGen C3554689, MONDO:0014083, OMIM 615214.
Immunodeficiency 36 with lymphoproliferation. Also called: ACTIVATED PI3K-DELTA SYNDROME 2; Immunodeficiency 36; Activated PI3K Delta Syndrome Type 2 (APDS2). Identifiers: Orphanet 397596, Orphanet 693681, MedGen C4014934, MONDO:0014453, OMIM 616005.

Allele frequency attached by ClinVar (database versions not stated): gnomAD exomes below 0.00001; TOPMed below 0.00001; gnomAD 0.00001.
gnomAD v4.1: 2 of 1,613,988 alleles (0.00012%); highest among the groups gnomAD compares: Non-Finnish European, 0.00017%; no homozygotes.

Submission:

Labcorp Genetics (formerly Invitae), Labcorp
Classification: Uncertain significance for SHORT syndrome; Immunodeficiency 36 with lymphoproliferation; Agammaglobulinemia 7, autosomal recessive. Last evaluated: 2024-06-06. Review status: criteria provided, single submitter. Criteria: Invitae Variant Classification Sherloc (09022015). Collection method: clinical testing. Allele origin: germline.
Comment: This sequence change replaces glutamine, which is neutral and polar, with histidine, which is basic and polar, at codon 654 of the PIK3R1 protein (p.Gln654His). This variant is present in population databases (no rsID available, gnomAD 0.0009%). This variant has not been reported in the literature in individuals affected with PIK3R1-related conditions. ClinVar contains an entry for this variant (Variation ID: 2043432). Advanced modeling of protein sequence and biophysical properties (such as structural, functional, and spatial information, amino acid conservation, physicochemical variation, residue mobility, and thermodynamic stability) performed at Invitae indicates that this missense variant is not expected to disrupt PIK3R1 protein function with a negative predictive value of 80%. In summary, the available evidence is currently insufficient to determine the role of this variant in disease. Therefore, it has been classified as a Variant of Uncertain Significance.

NM_181523.3(PIK3R1):c.1962G>C (p.Gln654His)

Gene: PIK3R1 (phosphoinositide-3-kinase regulatory subunit 1; plus strand). Cytogenetic location: 5q13.1.
Variant type: single nucleotide variant.
Coding change: c.1962G>C on transcript NM_181523.3 (MANE Select); coding-DNA position 1962, G replaced by C.
Protein change: p.Gln654His; replaces glutamine 654 with histidine.
Molecular consequence: missense variant.
Genome position (GRCh38, 1-based): chr5:68,296,318, G>C. VCF-style: chr5-68296318-G-C. GRCh37 (hg19) VCF-style: chr5-67592146-G-C.
Other names: c.873G>C, p.Gln291His (NM_001242466.2); c.1152G>C, p.Gln384His (NM_181504.4); c.1062G>C, p.Gln354His (NM_181524.2); short protein forms Q291H, Q384H, Q354H, Q654H.
Identifiers: ClinVar variation 2043432 (VCV002043432.4), dbSNP rs1028479332, ClinGen allele CA119908374.
Genomic context (GRCh38, chr5:68,296,318, plus strand): 5'-TGAAAACCTGTTGCGAGGGAAGCGAGATGGCACTTTTCTTGTCCGGGAGAGCAGTAAACA[G>C]GGCTGCTATGCCTGCTCTGTAGTGTATGTATCTCCAGCAAACTTTTCTTTACAACATCTC-3'
Protein context (NP_852664.1, residues 644-664): GTFLVRESSK[Gln654His]GCYACSVVVD